The following is an entry in ClinVar:

ClinVar aggregate classification (germline): Uncertain significance (1 of 4 stars; one submission).

Allele frequency attached by ClinVar (database versions not stated): gnomAD 0.00001 and 0.00002; TOPMed 0.00001.
gnomAD v4.1: 3 of 1,613,950 alleles (0.00019%); highest among the groups gnomAD compares: African/African-American, 0.0027%; no homozygotes.

Submission:

Labcorp Genetics (formerly Invitae), Labcorp
Classification: Uncertain significance. Last evaluated: 2024-10-07. Review status: criteria provided, single submitter. Criteria: Invitae Variant Classification Sherloc (09022015). Collection method: clinical testing. Allele origin: germline.
Comment: This sequence change replaces glutamic acid, which is acidic and polar, with aspartic acid, which is acidic and polar, at codon 209 of the RBP3 protein (p.Glu209Asp). This variant is not present in population databases (gnomAD no frequency). This variant has not been reported in the literature in individuals affected with RBP3-related conditions. ClinVar contains an entry for this variant (Variation ID: 1439939). An algorithm developed to predict the effect of missense changes on protein structure and function (PolyPhen-2) suggests that this variant is likely to be disruptive. In summary, the available evidence is currently insufficient to determine the role of this variant in disease. Therefore, it has been classified as a Variant of Uncertain Significance.

NM_002900.3(RBP3):c.627G>T (p.Glu209Asp)

Gene: RBP3 (retinol binding protein 3; plus strand). Cytogenetic location: 10q11.22.
Variant type: single nucleotide variant.
Coding change: c.627G>T on transcript NM_002900.3 (MANE Select); coding-DNA position 627, G replaced by T.
Protein change: p.Glu209Asp; replaces glutamic acid 209 with aspartic acid.
Molecular consequence: missense variant.
Genome position (GRCh38, 1-based): chr10:47,349,111, G>T. VCF-style: chr10-47349111-G-T. GRCh37 (hg19) VCF-style: chr10-48390251-C-A.
Other names: short protein forms E209D.
Identifiers: ClinVar variation 1439939 (VCV001439939.6), dbSNP rs1411040403, ClinGen allele CA376665751.